The following is an entry in ClinVar:

ClinVar aggregate classification (germline): Pathogenic. Review status: criteria provided, multiple submitters, no conflicts (2 of 4 stars). 2 submissions from 2 submitters: Pathogenic (2). Last evaluated 2025-11-21.

Submissions (2):

Labcorp Genetics (formerly Invitae), Labcorp
Classification: Pathogenic. Last evaluated: 2025-11-21. Review status: criteria provided, single submitter. Criteria: Invitae Variant Classification Sherloc (09022015). Collection method: clinical testing. Allele origin: germline.
Comment: This sequence change creates a premature translational stop signal (p.Trp9*) in the MTFMT gene. It is expected to result in an absent or disrupted protein product. Loss-of-function variants in MTFMT are known to be pathogenic (PMID: 21907147, 24461907). This variant is not present in population databases (gnomAD no frequency). This variant has not been reported in the literature in individuals affected with MTFMT-related conditions. ClinVar contains an entry for this variant (Variation ID: 1323298). For these reasons, this variant has been classified as Pathogenic.

Revvity Omics, Revvity
Classification: Pathogenic. Last evaluated: 2020-08-21. Review status: criteria provided, single submitter. Criteria: ACMG Guidelines, 2015. Collection method: clinical testing. Allele origin: germline.

Literature cited by the submitters: PubMed 21907147 (cited by Labcorp Genetics (formerly Invitae), Labcorp); PubMed 24461907 (cited by Labcorp Genetics (formerly Invitae), Labcorp).

NM_139242.4(MTFMT):c.27G>A (p.Trp9Ter)

Gene: MTFMT (mitochondrial methionyl-tRNA formyltransferase; minus strand). Cytogenetic location: 15q22.31.
Variant type: single nucleotide variant.
Coding change: c.27G>A on transcript NM_139242.4 (MANE Select); coding-DNA position 27, G replaced by A.
Protein change: p.Trp9Ter; replaces tryptophan 9 with a stop codon.
Molecular consequence: nonsense.
Genome position (GRCh38, 1-based): chr15:65,029,587, C>T on the plus strand (G>A on the coding strand, the complement: MTFMT is on the minus strand). VCF-style: chr15-65029587-C-T. GRCh37 (hg19) VCF-style: chr15-65321925-C-T.
Other names: short protein forms W9*.
Identifiers: ClinVar variation 1323298 (VCV001323298.5), dbSNP rs2140493876, ClinGen allele CA392863679.